The following is an entry in ClinVar:

ClinVar aggregate classification (germline): Pathogenic (1 of 4 stars; one submission).

Conditions:
Hereditary breast ovarian cancer syndrome. Also called: Hereditary breast and ovarian cancer syndrome; Hereditary breast and/or ovarian cancer syndrome; Hereditary breast and ovarian cancer syndrome (HBOC); Hereditary breast and ovarian cancer; Breast and ovarian cancer; BRCA1- and BRCA2-Associated Hereditary Breast and Ovarian Cancer. Identifiers: Orphanet 145, MedGen C0677776, MeSH D061325, MONDO:0003582. Disease mechanism: loss of function.

Submission:

Women's Health and Genetics/Laboratory Corporation of America, LabCorp
Classification: Pathogenic for Hereditary breast and ovarian cancer syndrome. Last evaluated: 2020-07-21. Review status: criteria provided, single submitter. Criteria: LabCorp Variant Classification Summary - May 2015. Collection method: clinical testing. Allele origin: germline.
Comment: Variant summary: The variant identified by MLPA or other technology involves the deletion of exons 3-14 (legacy name: exons 3-15) in the BRCA1 gene. A presumed nomenclature of c.(80+1_81-1)_(4675+1_4676-1)del has been designated for the purposes of this classification. Although exact breakpoints of this deletion are not known, it is expected to result in a frameshift in the BRCA1 gene, a known mechanism of disease. The variant was absent in 21690 control chromosomes (gnomAD, Structural Variants dataset). The variant, c.(80+1_81-1)_(4675+1_4676-1)del, has been reported in the literature in one affected individual with a family history of breast/ovarian cancer (Evans_2003). These data indicate that the variant is likely to be associated with disease. To our knowledge, no experimental evidence demonstrating an impact on protein function has been reported. One ClinVar submitter (evaluation after 2014) cites the variant as pathogenic. Based on the evidence outlined above, the variant was classified as pathogenic.

Literature cited by the submitters: PubMed 12960223.

NC_000017.11:g.(43071239_43074330)_(43115780_43124016)del

Gene: BRCA1 (BRCA1 DNA repair associated; minus strand). Cytogenetic location: 17q21.31.
Variant type: Deletion.
Identifiers: ClinVar variation 981968 (VCV000981968.1).